The following is an entry in ClinVar:

ClinVar aggregate classification (germline): Uncertain significance. Review status: criteria provided, multiple submitters, no conflicts (2 of 4 stars). 2 submissions from 2 submitters: Uncertain significance (2). Last evaluated 2025-08-21.

Allele frequency attached by ClinVar (database versions not stated): gnomAD exomes 0.00003; ExAC 0.00005; TOPMed 0.00005.

Submissions (2):

Labcorp Genetics (formerly Invitae), Labcorp
Classification: Uncertain significance. Last evaluated: 2025-08-21. Review status: criteria provided, single submitter. Criteria: Invitae Variant Classification Sherloc (09022015). Collection method: clinical testing. Allele origin: germline.
Comment: This sequence change replaces valine, which is neutral and non-polar, with isoleucine, which is neutral and non-polar, at codon 348 of the CACNA2D4 protein (p.Val348Ile). This variant is present in population databases (rs773531067, gnomAD 0.02%). This variant has not been reported in the literature in individuals affected with CACNA2D4-related conditions. ClinVar contains an entry for this variant (Variation ID: 1004556). An algorithm developed to predict the effect of missense changes on protein structure and function (PolyPhen-2) suggests that this variant is likely to be disruptive. In summary, the available evidence is currently insufficient to determine the role of this variant in disease. Therefore, it has been classified as a Variant of Uncertain Significance.

Blueprint Genetics
Classification: Uncertain significance. Last evaluated: 2024-01-18. Review status: criteria provided, single submitter. Criteria: ACMG Guidelines, 2015. Collection method: clinical testing. Allele origin: germline.

NM_172364.5(CACNA2D4):c.1042G>A (p.Val348Ile)

Gene: CACNA2D4 (calcium voltage-gated channel auxiliary subunit alpha2delta 4; minus strand). Cytogenetic location: 12p13.33.
Variant type: single nucleotide variant.
Coding change: c.1042G>A on transcript NM_172364.5 (MANE Select); coding-DNA position 1042, G replaced by A.
Protein change: p.Val348Ile; replaces valine 348 with isoleucine.
Molecular consequence: missense variant.
Genome position (GRCh38, 1-based): chr12:1,885,991, C>T on the plus strand (G>A on the coding strand, the complement: CACNA2D4 is on the minus strand). VCF-style: chr12-1885991-C-T. GRCh37 (hg19) VCF-style: chr12-1995157-C-T.
Other names: short protein forms V348I.
Identifiers: ClinVar variation 1004556 (VCV001004556.7), dbSNP rs773531067, ClinGen allele CA6387314.